The following is an entry in ClinVar:

NM_000540.3(RYR1):c.14869-14C>G

Gene: RYR1 (ryanodine receptor 1; plus strand). Cytogenetic location: 19q13.2.
Variant type: single nucleotide variant.
Coding change: c.14869-14C>G on transcript NM_000540.3 (MANE Select); 14 bases into the intron before coding-DNA position 14869, C replaced by G.
Molecular consequence: intron variant.
Genome position (GRCh38, 1-based): chr19:38,586,077, C>G. VCF-style: chr19-38586077-C-G. GRCh37 (hg19) VCF-style: chr19-39076717-C-G.
Other names: c.14854-14C>G (NM_001042723.2).
Identifiers: ClinVar variation 2882471 (VCV002882471.4), dbSNP rs776027265, ClinGen allele CA061753.

ClinVar aggregate classification (germline): Conflicting classifications of pathogenicity. Review status: criteria provided, conflicting classifications (1 of 4 stars). 2 submissions from 2 submitters: Uncertain significance (1); Likely benign (1). Last evaluated 2024-02-26.

Conditions:
Malignant hyperthermia, susceptibility to, 1 (MHS1). Also called: Anesthesia related hyperthermia; Malignant hyperpyrexia; Fulminating hyperpyrexia; Pharmacogenic myopathy; RYR1-Related Malignant Hyperthermia Susceptibility; Malignant hyperthermia suceptibility 1. Identifiers: Orphanet 423, MedGen C2930980, MONDO:0007783, OMIM 145600.
RYR1-related disorder. Also called: RYR1-related condition; RYR1-related disorders. Identifiers: MedGen CN239331.

Allele frequency attached by ClinVar (database versions not stated): gnomAD exomes below 0.00001; ExAC 0.00003.
gnomAD v4.1: 6 of 1,614,122 alleles (0.00037%); highest among the groups gnomAD compares: Non-Finnish European, 0.00051%; no homozygotes.

Submissions (2):

Labcorp Genetics (formerly Invitae), Labcorp
Classification: Likely benign for RYR1-related disorder. Last evaluated: 2024-02-26. Review status: criteria provided, single submitter. Criteria: Invitae Variant Classification Sherloc (09022015). Collection method: clinical testing. Allele origin: germline.

All of Us Research Program, National Institutes of Health
Classification: Uncertain significance for Malignant hyperthermia, susceptibility to, 1. Last evaluated: 2023-06-26. Review status: criteria provided, single submitter. Criteria: ACMG Guidelines, 2015. Collection method: clinical testing. Allele origin: germline. Inheritance: Autosomal dominant inheritance. Observed: 3 variant alleles, 3 heterozygotes.
Comment: This variant causes a C to G nucleotide substitution at the -14 position of intron 103 of the RYR1 gene. To our knowledge, functional studies have not been reported for this variant. This variant has not been reported in individuals affected with RYR1-related disorders in the literature. This variant has been identified in 4/251372 chromosomes in the general population by the Genome Aggregation Database (gnomAD). The available evidence is insufficient to determine the role of this variant in disease conclusively. Therefore, this variant is classified as a Variant of Uncertain Significance.

This study involves interpretation of variants in research participants for the purpose of population health screening. Participant phenotype was not available at the time of variant classification. Additional details can be found in publication PMID: 35346344, PMCID: PMC8962531